The following is an entry in ClinVar:

ClinVar aggregate classification (germline): Uncertain significance. Review status: criteria provided, multiple submitters, no conflicts (2 of 4 stars). 3 submissions from 3 submitters: Uncertain significance (3). Last evaluated 2025-10-30.

Conditions:
Inborn genetic diseases. Identifiers: MedGen C0950123, MeSH D030342.
Acyl-CoA oxidase deficiency. Also called: Peroxisomal acyl-CoA oxidase deficiency; STRAIGHT-CHAIN ACYL-CoA OXIDASE DEFICIENCY; Pseudoneonatal adrenoleukodystrophy. Identifiers: Orphanet 2971, MedGen C1849678, MONDO:0009919, OMIM 264470. Disease mechanism: loss of function.

Allele frequency attached by ClinVar (database versions not stated): ExAC 0.00001; gnomAD exomes 0.00001; TOPMed 0.00001.
gnomAD v4.1: 12 of 1,614,226 alleles (0.00074%); highest among the groups gnomAD compares: African/African-American, 0.0013%; no homozygotes.

Submissions (3):

Ambry Genetics
Classification: Uncertain significance for Inborn genetic diseases. Last evaluated: 2025-10-30. Review status: criteria provided, single submitter. Criteria: Ambry Variant Classification Scheme 2023. Collection method: clinical testing. Allele origin: germline.

Labcorp Genetics (formerly Invitae), Labcorp
Classification: Uncertain significance for Acyl-CoA oxidase deficiency. Last evaluated: 2025-03-31. Review status: criteria provided, single submitter. Criteria: Invitae Variant Classification Sherloc (09022015). Collection method: clinical testing. Allele origin: germline.
Comment: This sequence change replaces tyrosine, which is neutral and polar, with histidine, which is basic and polar, at codon 439 of the ACOX1 protein (p.Tyr439His). This variant is present in population databases (rs778989326, gnomAD 0.007%). This variant has not been reported in the literature in individuals affected with ACOX1-related conditions. ClinVar contains an entry for this variant (Variation ID: 2198676). Invitae Evidence Modeling of protein sequence and biophysical properties (such as structural, functional, and spatial information, amino acid conservation, physicochemical variation, residue mobility, and thermodynamic stability) indicates that this missense variant is not expected to disrupt ACOX1 protein function with a negative predictive value of 80%. In summary, the available evidence is currently insufficient to determine the role of this variant in disease. Therefore, it has been classified as a Variant of Uncertain Significance.

Revvity Omics, Revvity
Classification: Uncertain significance. Last evaluated: 2019-04-02. Review status: criteria provided, single submitter. Criteria: ACMG Guidelines, 2015. Collection method: clinical testing. Allele origin: germline.

NM_004035.7(ACOX1):c.1315T>C (p.Tyr439His)

Gene: ACOX1 (acyl-CoA oxidase 1; minus strand). Cytogenetic location: 17q25.1.
Variant type: single nucleotide variant.
Coding change: c.1315T>C on transcript NM_004035.7 (MANE Select); coding-DNA position 1315, T replaced by C.
Protein change: p.Tyr439His; replaces tyrosine 439 with histidine.
Molecular consequence: missense variant.
Genome position (GRCh38, 1-based): chr17:75,949,881, A>G on the plus strand (T>C on the coding strand, the complement: ACOX1 is on the minus strand). VCF-style: chr17-75949881-A-G. GRCh37 (hg19) VCF-style: chr17-73945962-A-G.
Other names: c.1315T>C (NM_004035.6); c.1201T>C, p.Tyr401His (NM_001185039.2); c.1315T>C, p.Tyr439His (NM_007292.6); short protein forms Y401H, Y439H.
Identifiers: ClinVar variation 2198676 (VCV002198676.6), dbSNP rs778989326, ClinGen allele CA8776798.